The following is an entry in ClinVar:

ClinVar aggregate classification (germline): Uncertain significance (1 of 4 stars; one submission).

Conditions:
Episodic ataxia type 2 (EA2). Also called: CEREBELLAR ATAXIA, PAROXYSMAL, ACETAZOLAMIDE-RESPONSIVE; CEREBELLOPATHY, HEREDITARY PAROXYSMAL; EPISODIC ATAXIA, NYSTAGMUS-ASSOCIATED; ACETAZOLAMIDE-RESPONSIVE HEREDITARY PAROXYSMAL CEREBELLAR ATAXIA; ATAXIA, EPISODIC, WITH NYSTAGMUS; ATAXIA, FAMILIAL PAROXYSMAL. Identifiers: Orphanet 97, MedGen C1720416, MONDO:0007163, OMIM 108500.
Developmental and epileptic encephalopathy, 42 (DEE42A). Also called: Epileptic encephalopathy, early infantile, 42; DEVELOPMENTAL AND EPILEPTIC ENCEPHALOPATHY 42A; EPILEPTIC ENCEPHALOPATHY, EARLY INFANTILE, 42A. Identifiers: MedGen C4310716, MONDO:0014917, OMIM 617106.

Allele frequency attached by ClinVar (database versions not stated): gnomAD exomes below 0.00001.
gnomAD v4.1: 1 of 1,613,866 alleles (0.000062%); highest among the groups gnomAD compares: Non-Finnish European, 0.000085%; no homozygotes.

Submission:

Labcorp Genetics (formerly Invitae), Labcorp
Classification: Uncertain significance for Developmental and epileptic encephalopathy, 42; Episodic ataxia type 2. Last evaluated: 2024-04-01. Review status: criteria provided, single submitter. Criteria: Invitae Variant Classification Sherloc (09022015). Collection method: clinical testing. Allele origin: germline.
Comment: This sequence change replaces alanine, which is neutral and non-polar, with glutamic acid, which is acidic and polar, at codon 747 of the CACNA1A protein (p.Ala747Glu). This variant is present in population databases (no rsID available, gnomAD 0.0009%). This variant has not been reported in the literature in individuals affected with CACNA1A-related conditions. Advanced modeling of protein sequence and biophysical properties (such as structural, functional, and spatial information, amino acid conservation, physicochemical variation, residue mobility, and thermodynamic stability) performed at Invitae indicates that this missense variant is expected to disrupt CACNA1A protein function with a positive predictive value of 95%. In summary, the available evidence is currently insufficient to determine the role of this variant in disease. Therefore, it has been classified as a Variant of Uncertain Significance.

NM_001127222.2(CACNA1A):c.2237C>A (p.Ala746Glu)

Gene: CACNA1A (calcium voltage-gated channel subunit alpha1 A; minus strand). Cytogenetic location: 19p13.13.
Variant type: single nucleotide variant.
Coding change: c.2237C>A on transcript NM_001127222.2 (MANE Select); coding-DNA position 2237, C replaced by A.
Protein change: p.Ala746Glu; replaces alanine 746 with glutamic acid.
Molecular consequence: missense variant.
Genome position (GRCh38, 1-based): chr19:13,300,592, G>T on the plus strand (C>A on the coding strand, the complement: CACNA1A is on the minus strand). VCF-style: chr19-13300592-G-T. GRCh37 (hg19) VCF-style: chr19-13411406-G-T.
Other names: c.2249C>A, p.Ala750Glu (NM_000068.4, NM_023035.3); c.2240C>A, p.Ala747Glu (NM_001127221.2, NM_001174080.2); short protein forms A747E, A746E, A750E.
Identifiers: ClinVar variation 2951220 (VCV002951220.3), dbSNP rs1263747711, ClinGen allele CA404343911.